The following is an entry in ClinVar:

NM_005560.6(LAMA5):c.773A>G (p.Asn258Ser)

Gene: LAMA5 (laminin subunit alpha 5; minus strand). Cytogenetic location: 20q13.33.
Variant type: single nucleotide variant.
Coding change: c.773A>G on transcript NM_005560.6 (MANE Select); coding-DNA position 773, A replaced by G.
Protein change: p.Asn258Ser; replaces asparagine 258 with serine.
Molecular consequence: missense variant.
Genome position (GRCh38, 1-based): chr20:62,351,994, T>C on the plus strand (A>G on the coding strand, the complement: LAMA5 is on the minus strand). VCF-style: chr20-62351994-T-C. GRCh37 (hg19) VCF-style: chr20-60927050-T-C.
Other names: short protein forms N258S.
Identifiers: ClinVar variation 4775981 (VCV004775981.1).

ClinVar aggregate classification (germline): Uncertain significance (1 of 4 stars; one submission).

gnomAD v4.1: 30 of 1,612,540 alleles (0.0019%); highest among the groups gnomAD compares: South Asian, 0.031%; 1 homozygote.

Submission:

Labcorp Genetics (formerly Invitae), Labcorp
Classification: Uncertain significance. Last evaluated: 2025-09-10. Review status: criteria provided, single submitter. Criteria: Invitae Variant Classification Sherloc (09022015). Collection method: clinical testing. Allele origin: germline.
Comment: This sequence change replaces asparagine, which is neutral and polar, with serine, which is neutral and polar, at codon 258 of the LAMA5 protein (p.Asn258Ser). This variant is present in population databases (rs773750026, gnomAD 0.03%). This variant has not been reported in the literature in individuals affected with LAMA5-related conditions. An algorithm developed to predict the effect of missense changes on protein structure and function (PolyPhen-2) suggests that this variant is likely to be disruptive. In summary, the available evidence is currently insufficient to determine the role of this variant in disease. Therefore, it has been classified as a Variant of Uncertain Significance.